The following is an entry in ClinVar:

NM_022455.5(NSD1):c.5304G>T (p.Arg1768Ser)

Genes: NSD1 (nuclear receptor binding SET domain protein 1; plus strand), LOC126807619 (MED14-independent group 3 enhancer GRCh37_chr5:176696443-176697642; plus strand). Cytogenetic location: 5q35.3.
Variant type: single nucleotide variant.
Coding change: c.5304G>T on transcript NM_022455.5 (MANE Select); coding-DNA position 5304, G replaced by T.
Protein change: p.Arg1768Ser; replaces arginine 1768 with serine.
Molecular consequence: missense variant.
Genome position (GRCh38, 1-based): chr5:177,269,602, G>T. VCF-style: chr5-177269602-G-T. GRCh37 (hg19) VCF-style: chr5-176696603-G-T.
Other names: c.4431G>T, p.Arg1477Ser (NM_001365684.2, NM_172349.5, NM_001409308.1 and 1 more transcripts); c.5304G>T, p.Arg1768Ser (NM_001409301.1, NM_001409302.1, NM_001409303.1); c.4884G>T, p.Arg1628Ser (NM_001409304.1); c.4551G>T, p.Arg1517Ser (NM_001409305.1); c.4542G>T, p.Arg1514Ser (NM_001409306.1, NM_001409307.1); short protein forms R1477S, R1514S, R1517S, R1628S, R1768S.
Identifiers: ClinVar variation 4527534 (VCV004527534.1).

ClinVar aggregate classification (germline): Uncertain significance (1 of 4 stars; one submission).

Submission:

GeneDx
Classification: Uncertain significance. Last evaluated: 2025-04-26. Review status: criteria provided, single submitter. Criteria: GeneDx Variant Classification Process June 2021. Collection method: clinical testing. Allele origin: germline. Affected: yes.
Comment: Not observed at significant frequency in large population cohorts (gnomAD); In silico analysis supports that this missense variant has a deleterious effect on protein structure/function; Has not been previously published as pathogenic or benign to our knowledge